The following is an entry in ClinVar:

NM_001271.4(CHD2):c.399G>C (p.Glu133Asp)

Gene: CHD2 (chromodomain helicase DNA binding protein 2; plus strand). Cytogenetic location: 15q26.1.
Variant type: single nucleotide variant.
Coding change: c.399G>C on transcript NM_001271.4 (MANE Select); coding-DNA position 399, G replaced by C.
Protein change: p.Glu133Asp; replaces glutamic acid 133 with aspartic acid.
Molecular consequence: missense variant.
Genome position (GRCh38, 1-based): chr15:92,929,047, G>C. VCF-style: chr15-92929047-G-C. GRCh37 (hg19) VCF-style: chr15-93472277-G-C.
Other names: c.399G>C, p.Glu133Asp (NM_001042572.3); short protein forms E133D.
Identifiers: ClinVar variation 2575781 (VCV002575781.1), dbSNP rs1596383199, ClinGen allele CA393897407.
Genomic context (GRCh38, chr15:92,929,047, plus strand): 5'-GAATTAAAGTCTGTAATCATTTTTCCCCCCTCACACACTGAAGGCAAGTAGCGGGTCTGA[G>C]AGTGGGAGCCCAAAAAGAAGAGGCCAGAGGCAGCTGAAAAAACAGTAAGTCTTTCATGGG-3'
Protein context (NP_001262.3, residues 123-143): NIKEEASSGS[Glu133Asp]SGSPKRRGQR

ClinVar aggregate classification (germline): Uncertain significance (1 of 4 stars; one submission).

Allele frequency attached by ClinVar (database versions not stated): gnomAD exomes below 0.00001.
gnomAD v4.1: 6 of 1,611,806 alleles (0.00037%); highest among the groups gnomAD compares: Non-Finnish European, 0.00051%; no homozygotes.

Submission:

GeneDx
Classification: Uncertain significance. Last evaluated: 2023-02-01. Review status: criteria provided, single submitter. Criteria: GeneDx Variant Classification Process June 2021. Collection method: clinical testing. Allele origin: germline. Affected: yes.
Comment: Not observed at significant frequency in large population cohorts (gnomAD); In silico analysis supports that this missense variant does not alter protein structure/function; Has not been previously published as pathogenic or benign to our knowledge